The following is an entry in ClinVar:

NM_001048174.2(MUTYH):c.320T>C (p.Val107Ala)

Gene: MUTYH (mutY DNA glycosylase; minus strand). Cytogenetic location: 1p34.1.
Variant type: single nucleotide variant.
Coding change: c.320T>C on transcript NM_001048174.2 (MANE Select); coding-DNA position 320, T replaced by C.
Protein change: p.Val107Ala; replaces valine 107 with alanine.
Molecular consequence: missense variant. On other transcripts: non-coding transcript variant (6), intron variant (3).
Genome position (GRCh38, 1-based): chr1:45,333,155, A>G on the plus strand (T>C on the coding strand, the complement: MUTYH is on the minus strand). VCF-style: chr1-45333155-A-G. GRCh37 (hg19) VCF-style: chr1-45798827-A-G.
Other names: c.320T>C, p.Val107Ala (NM_001048171.2, NM_001048173.2, NM_001293195.2 and 6 more transcripts); c.323T>C, p.Val108Ala (NM_001048172.2, NM_001407071.1, NM_001407078.1 and 2 more transcripts); c.404T>C, p.Val135Ala (NM_001128425.2); c.365T>C, p.Val122Ala (NM_001293190.2); c.353T>C, p.Val118Ala (NM_001293191.2, NM_001407077.1); c.44T>C, p.Val15Ala (NM_001293192.2, NM_001293196.2, NM_001407091.1); c.395T>C, p.Val132Ala (NM_001407069.1, NM_012222.3); c.362T>C, p.Val121Ala (NM_001407073.1, NM_001407083.1, NM_001407085.1); and 3 more; short protein forms V121A, V114A, V122A, V107A, V118A, V15A, V108A, V132A.
Identifiers: ClinVar variation 4113648 (VCV004113648.1).

ClinVar aggregate classification (germline): Uncertain significance (1 of 4 stars; one submission).

Conditions:
Hereditary cancer-predisposing syndrome. Also called: Hereditary neoplastic syndrome; Neoplastic Syndromes, Hereditary; Tumor predisposition; Hereditary Cancer Syndrome. Identifiers: Orphanet 140162, MedGen C0027672, MeSH D009386, MONDO:0015356.

Submission:

Ambry Genetics
Classification: Uncertain significance for Hereditary cancer-predisposing syndrome. Last evaluated: 2025-08-27. Review status: criteria provided, single submitter. Criteria: Ambry Variant Classification Scheme 2023. Collection method: clinical testing. Allele origin: germline.
Comment: The p.V135A variant (also known as c.404T>C), located in coding exon 5 of the MUTYH gene, results from a T to C substitution at nucleotide position 404. The valine at codon 135 is replaced by alanine, an amino acid with similar properties. This amino acid position is conserved. In addition, this alteration is predicted to be deleterious by in silico analysis. Based on the available evidence, the clinical significance of this variant remains unclear.